The following is an entry in ClinVar:

ClinVar aggregate classification (germline): Likely benign (1 of 4 stars; one submission).

gnomAD v4.1: 1 of 1,537,550 alleles (0.000065%); highest among the groups gnomAD compares: Non-Finnish European, 0.000087%; no homozygotes.

Submission:

CeGaT Center for Human Genetics Tuebingen
Classification: Likely benign. Last evaluated: 2025-05-01. Review status: criteria provided, single submitter. Criteria: CeGaT Center For Human Genetics Tuebingen Variant Classification Criteria Version 2. Collection method: clinical testing. Allele origin: germline. Affected: yes. Observed: 1 variant allele.
Comment: STARD9: BP4, BP7

NM_020759.3(STARD9):c.4647C>T (p.Val1549=)

Gene: STARD9 (StAR related lipid transfer domain containing 9; plus strand). Cytogenetic location: 15q15.2.
Variant type: single nucleotide variant.
Coding change: c.4647C>T on transcript NM_020759.3 (MANE Select); coding-DNA position 4647, C replaced by T.
Protein change: p.Val1549=; no amino-acid change (valine 1549 retained).
Molecular consequence: synonymous variant.
Genome position (GRCh38, 1-based): chr15:42,686,225, C>T. VCF-style: chr15-42686225-C-T. GRCh37 (hg19) VCF-style: chr15-42978423-C-T.
Identifiers: ClinVar variation 3906099 (VCV003906099.10).